The following is an entry in ClinVar:

NM_001077653.2(TBX20):c.509_532del (p.Leu170_Pro177del)

Gene: TBX20 (T-box transcription factor 20; minus strand). Cytogenetic location: 7p14.2.
Variant type: Deletion.
Coding change: c.509_532del on transcript NM_001077653.2 (MANE Select); coding-DNA positions 509 to 532, 24 bases deleted (TGGTGGCTGGCAAGGCCGACCCGC).
Protein change: p.Leu170_Pro177del.
Molecular consequence: inframe deletion.
Genome position (GRCh38, 1-based): chr7:35,248,690-35,248,713, GCGGGTCGGCCTTGCCAGCCACCA deleted on the plus strand (TGGTGGCTGGCAAGGCCGACCCGC on the coding strand, the reverse complement: TBX20 is on the minus strand); deleting any 24 consecutive bases within chr7:35,248,690-35,248,715 gives the same sequence; the c. name uses the placement nearest the transcript's 3' end. VCF-style (leftmost placement, unchanged base first): chr7-35248689-GGCGGGTCGGCCTTGCCAGCCACCA-G. GRCh37 (hg19) VCF-style: chr7-35288301-GGCGGGTCGGCCTTGCCAGCCACCA-G.
Other names: c.509_532del, p.Leu170_Pro177del (NM_001166220.1).
Identifiers: ClinVar variation 4708978 (VCV004708978.1).
Genomic context (GRCh38, chr7:35,248,689, plus strand): 5'-GACAGATGCACTAACAGTTTTCTCAGTGAAAAATCTGGAGGCACGAACCTGGCTGGCAAC[GGCGGGTCGGCCTTGCCAGCCACCA>G]GCCAGGAGGACCGGTGGTAGGCGTAGCGGTACCTCTTGTTGTCCACAGGGACGATGTCCA-3'

ClinVar aggregate classification (germline): Uncertain significance (1 of 4 stars; one submission).

Submission:

Labcorp Genetics (formerly Invitae), Labcorp
Classification: Uncertain significance. Last evaluated: 2025-12-21. Review status: criteria provided, single submitter. Criteria: Invitae Variant Classification Sherloc (09022015). Collection method: clinical testing. Allele origin: germline.
Comment: This variant, c.509_532del, results in the deletion of 8 amino acid(s) of the TBX20 protein (p.Leu170_Pro177del), but otherwise preserves the integrity of the reading frame. This variant is not present in population databases (gnomAD no frequency). This variant has been observed in individual(s) with dilated cardiomyopathy (internal data). Experimental studies and prediction algorithms are not available or were not evaluated, and the functional significance of this variant is currently unknown. In summary, the available evidence is currently insufficient to determine the role of this variant in disease. Therefore, it has been classified as a Variant of Uncertain Significance.